The following is an entry in ClinVar:

NM_000287.4(PEX6):c.473C>G (p.Thr158Ser)

Gene: PEX6 (peroxisomal biogenesis factor 6; minus strand). Cytogenetic location: 6p21.1.
Variant type: single nucleotide variant.
Coding change: c.473C>G on transcript NM_000287.4 (MANE Select); coding-DNA position 473, C replaced by G.
Protein change: p.Thr158Ser; replaces threonine 158 with serine.
Molecular consequence: missense variant. On other transcripts: non-coding transcript variant (1).
Genome position (GRCh38, 1-based): chr6:42,978,678, G>C on the plus strand (C>G on the coding strand, the complement: PEX6 is on the minus strand). VCF-style: chr6-42978678-G-C. GRCh37 (hg19) VCF-style: chr6-42946416-G-C.
Other names: c.473C>G, p.Thr158Ser (NM_001316313.2); short protein forms T158S.
Identifiers: ClinVar variation 1901951 (VCV001901951.2), dbSNP rs1210729020, ClinGen allele CA364165104.

ClinVar aggregate classification (germline): Uncertain significance (1 of 4 stars; one submission).

Conditions:
Peroxisome biogenesis disorder. Identifiers: Orphanet 79189, MedGen C1832200, MONDO:0019234. Disease mechanism: loss of function.

Allele frequency attached by ClinVar (database versions not stated): gnomAD 0.00001; gnomAD exomes 0.00001; TOPMed 0.00001.

Submission:

Labcorp Genetics (formerly Invitae), Labcorp
Classification: Uncertain significance for Peroxisome biogenesis disorder. Last evaluated: 2022-06-13. Review status: criteria provided, single submitter. Criteria: Invitae Variant Classification Sherloc (09022015). Collection method: clinical testing. Allele origin: germline.
Comment: This sequence change replaces threonine, which is neutral and polar, with serine, which is neutral and polar, at codon 158 of the PEX6 protein (p.Thr158Ser). This variant is present in population databases (no rsID available, gnomAD 0.007%). This variant has not been reported in the literature in individuals affected with PEX6-related conditions. Algorithms developed to predict the effect of missense changes on protein structure and function (SIFT, PolyPhen-2, Align-GVGD) all suggest that this variant is likely to be tolerated. Algorithms developed to predict the effect of sequence changes on RNA splicing suggest that this variant may create or strengthen a splice site. In summary, the available evidence is currently insufficient to determine the role of this variant in disease. Therefore, it has been classified as a Variant of Uncertain Significance.